The following is an entry in ClinVar:

NM_134261.3(RORA):c.419G>A (p.Arg140Gln)

Genes: RORA (RAR related orphan receptor A; minus strand), RORA-AS1 (RORA antisense RNA 1; plus strand). Cytogenetic location: 15q22.2.
Variant type: single nucleotide variant.
Coding change: c.419G>A on transcript NM_134261.3 (MANE Select); coding-DNA position 419, G replaced by A.
Protein change: p.Arg140Gln; replaces arginine 140 with glutamine.
Molecular consequence: missense variant.
Genome position (GRCh38, 1-based): chr15:60,514,621, C>T on the plus strand (G>A on the coding strand, the complement: RORA is on the minus strand). VCF-style: chr15-60514621-C-T. GRCh37 (hg19) VCF-style: chr15-60806820-C-T.
Other names: c.494G>A, p.Arg165Gln (NM_002943.4); c.518G>A, p.Arg173Gln (NM_134260.3); c.254G>A, p.Arg85Gln (NM_134262.3); short protein forms R140Q, R165Q, R173Q, R85Q.
Identifiers: ClinVar variation 3253371 (VCV003253371.1), dbSNP rs780606205.
Genomic context (GRCh38, chr15:60,514,621, plus strand): 5'-AGAAGGCACTTTCACAACCCCGTGCAACTGTACAACTCAAGCTGTGAGAGCTCACCATCT[C>T]GAGACATCCCTACGGCAAGGCATTTCTGTAATCGACAGTGTTGGCAGCGGTTTCTACTGG-3'
Protein context (NP_599023.1, residues 130-150): LQKCLAVGMS[Arg140Gln]DAVKFGRMSK

ClinVar aggregate classification (germline): Uncertain significance (1 of 4 stars; one submission).

Allele frequency attached by ClinVar (database versions not stated): gnomAD exomes below 0.00001; ExAC 0.00001.

Submission:

GeneDx
Classification: Uncertain significance. Last evaluated: 2023-12-11. Review status: criteria provided, single submitter. Criteria: GeneDx Variant Classification Process June 2021. Collection method: clinical testing. Allele origin: germline. Affected: yes.
Comment: Not observed at significant frequency in large population cohorts (gnomAD); In silico analysis supports that this missense variant has a deleterious effect on protein structure/function; Has not been previously published as pathogenic or benign to our knowledge